The following is an entry in ClinVar:

ClinVar aggregate classification (germline): Uncertain significance (1 of 4 stars; one submission).

Submission:

Ambry Genetics
Classification: Uncertain significance. Last evaluated: 2026-09-14. Review status: criteria provided, single submitter. Criteria: Ambry Variant Classification Scheme 2023. Collection method: clinical testing. Allele origin: germline.
Comment: The p.A149S variant (also known as c.445G>T), located in coding exon 3 of the GFI1 gene, results from a G to T substitution at nucleotide position 445. The alanine at codon 149 is replaced by serine, an amino acid with similar properties. This amino acid position is conserved. In addition, this alteration is predicted to be tolerated by in silico analysis. Based on the available evidence, the clinical significance of this variant remains unclear.

NM_005263.5(GFI1):c.445G>T (p.Ala149Ser)

Gene: GFI1 (growth factor independent 1 transcriptional repressor; minus strand). Cytogenetic location: 1p22.1.
Variant type: single nucleotide variant.
Coding change: c.445G>T on transcript NM_005263.5 (MANE Select); coding-DNA position 445, G replaced by T.
Protein change: p.Ala149Ser; replaces alanine 149 with serine.
Molecular consequence: missense variant.
Genome position (GRCh38, 1-based): chr1:92,480,942, C>A on the plus strand (G>T on the coding strand, the complement: GFI1 is on the minus strand). VCF-style: chr1-92480942-C-A. GRCh37 (hg19) VCF-style: chr1-92946499-C-A.
Other names: c.445G>T, p.Ala149Ser (NM_001127215.3, NM_001127216.3); short protein forms A149S.
Identifiers: ClinVar variation 5022410 (VCV005022410.1).